The following is an entry in ClinVar:

ClinVar aggregate classification (germline): Conflicting classifications of pathogenicity. Review status: criteria provided, conflicting classifications (1 of 4 stars). 2 submissions from 2 submitters: Uncertain significance (1); Likely benign (1). Last evaluated 2023-12-05.

Conditions:
Hereditary cancer-predisposing syndrome. Also called: Neoplastic Syndromes, Hereditary; Tumor predisposition; Hereditary Cancer Syndrome; Hereditary neoplastic syndrome. Identifiers: Orphanet 140162, MedGen C0027672, MeSH D009386, MONDO:0015356.

Allele frequency attached by ClinVar (database versions not stated): gnomAD exomes below 0.00001.
gnomAD v4.1: 1 of 1,600,560 alleles (0.000062%); highest among the groups gnomAD compares: Non-Finnish European, 0.000085%; no homozygotes.

Submissions (2):

Color Diagnostics, LLC DBA Color Health
Classification: Uncertain significance for Hereditary cancer-predisposing syndrome. Last evaluated: 2023-12-05. Review status: criteria provided, single submitter. Criteria: ACMG Guidelines, 2015. Collection method: clinical testing. Allele origin: germline.
Comment: This missense variant replaces lysine with glutamic acid at codon 2170 of the BRCA2 protein. Computational prediction suggests that this variant may not impact protein structure and function (internally defined REVEL score threshold <= 0.5, PMID: 27666373). To our knowledge, functional studies have not been reported for this variant. This variant has not been reported in individuals affected with BRCA2-related disorders in the literature. This variant has not been identified in the general population by the Genome Aggregation Database (gnomAD). The available evidence is insufficient to determine the role of this variant in disease conclusively. Therefore, this variant is classified as a Variant of Uncertain Significance.

University of Washington Department of Laboratory Medicine, University of Washington
Classification: Likely benign for Hereditary cancer-predisposing syndrome. Last evaluated: 2023-03-23. Review status: criteria provided, single submitter. Criteria: Dines et al. (Genet Med. 2020). Collection method: curation. Allele origin: germline.
Comment: Missense variant in a coldspot region where missense variants are very unlikely to be pathogenic (PMID:31911673).

BRCA2 exon 11 coldspot. Reclassification based on statistical prior probability.

NM_000059.4(BRCA2):c.6508A>G (p.Lys2170Glu)

Gene: BRCA2 (BRCA2 DNA repair associated; plus strand). Cytogenetic location: 13q13.1.
Variant type: single nucleotide variant.
Coding change: c.6508A>G on transcript NM_000059.4 (MANE Select); coding-DNA position 6508, A replaced by G.
Protein change: p.Lys2170Glu; replaces lysine 2170 with glutamic acid.
Molecular consequence: missense variant.
Genome position (GRCh38, 1-based): chr13:32,340,863, A>G. VCF-style: chr13-32340863-A-G. GRCh37 (hg19) VCF-style: chr13-32915000-A-G.
Other names: short protein forms K2170E.
Identifiers: ClinVar variation 919814 (VCV000919814.6), dbSNP rs2072557860, ClinGen allele CA387789569.
Genomic context (GRCh38, chr13:32,340,863, plus strand): 5'-AAAGTTTCTCCATATCTCTCTCAATTTCAACAAGACAAACAACAGTTGGTATTAGGAACC[A>G]AAGTGTCACTTGTTGAGAACATTCATGTTTTGGGAAAAGAACAGGCTTCACCTAAAAACG-3'
Protein context (NP_000050.3, residues 2160-2180): QDKQQLVLGT[Lys2170Glu]VSLVENIHVL